The following is an entry in ClinVar:

NM_016373.4(WWOX):c.1054A>G (p.Met352Val)

Gene: WWOX (WW domain containing oxidoreductase; plus strand). Cytogenetic location: 16q23.1.
Variant type: single nucleotide variant.
Coding change: c.1054A>G on transcript NM_016373.4 (MANE Select); coding-DNA position 1054, A replaced by G.
Protein change: p.Met352Val; replaces methionine 352 with valine.
Molecular consequence: missense variant.
Genome position (GRCh38, 1-based): chr16:78,432,750, A>G. VCF-style: chr16-78432750-A-G. GRCh37 (hg19) VCF-style: chr16-78466647-A-G.
Other names: c.715A>G, p.Met239Val (NM_001291997.2); c.1054A>G (NM_016373.2); short protein forms M239V, M352V.
Identifiers: ClinVar variation 1024530 (VCV001024530.3), dbSNP rs575317950, ClinGen allele CA8183614.

ClinVar aggregate classification (germline): Uncertain significance. Review status: criteria provided, multiple submitters, no conflicts (2 of 4 stars). 3 submissions from 3 submitters: Uncertain significance (3). Last evaluated 2023-06-06.

Conditions:
Developmental and epileptic encephalopathy, 1 (DEE1). Also called: INFANTILE SPASM SYNDROME, X-LINKED 1; X-linked infantile spasms; West's syndrome; Tonic spasms with clustering, arrest of psychomotor development and hypsarrhythmia on EEG; X-Linked Infantile Spasm Syndrome; OHTAHARA SYNDROME, X-LINKED. Identifiers: MedGen C3463992, MONDO:0010632, OMIM 308350. Disease mechanism: loss of function.
Autosomal recessive spinocerebellar ataxia 12. Also called: SPINOCEREBELLAR ATAXIA WITH MENTAL RETARDATION AND EPILEPSY. Identifiers: Orphanet 284282, MedGen C3280452, MONDO:0013687, OMIM 614322.

Allele frequency attached by ClinVar (database versions not stated): TOPMed below 0.00001; ExAC 0.00001; gnomAD 0.00001 and 0.00002; 1000 Genomes Project 30x 0.00016; 1000 Genomes Project 0.00020.
gnomAD v4.1: 14 of 1,614,144 alleles (0.00087%); highest among the groups gnomAD compares: Middle Eastern, 0.017%; no homozygotes.

Submissions (3):

GeneDx
Classification: Uncertain significance. Last evaluated: 2023-06-06. Review status: criteria provided, single submitter. Criteria: GeneDx Variant Classification Process June 2021. Collection method: clinical testing. Allele origin: germline. Affected: yes.
Comment: In silico analysis supports that this missense variant does not alter protein structure/function; Has not been previously published as pathogenic or benign to our knowledge; This variant is associated with the following publications: (PMID: 25794154)

Blueprint Genetics
Classification: Uncertain significance. Last evaluated: 2023-04-24. Review status: criteria provided, single submitter. Criteria: ACMG Guidelines, 2015. Collection method: clinical testing. Allele origin: germline.

Labcorp Genetics (formerly Invitae), Labcorp
Classification: Uncertain significance for Developmental and epileptic encephalopathy, 1; Autosomal recessive spinocerebellar ataxia 12. Last evaluated: 2020-01-11. Review status: criteria provided, single submitter. Criteria: Invitae Variant Classification Sherloc (09022015). Collection method: clinical testing. Allele origin: germline.
Comment: This sequence change replaces methionine with valine at codon 352 of the WWOX protein (p.Met352Val). The methionine residue is moderately conserved and there is a small physicochemical difference between methionine and valine. This variant is present in population databases (rs575317950, ExAC 0.006%). This variant has not been reported in the literature in individuals with WWOX-related conditions. Algorithms developed to predict the effect of missense changes on protein structure and function are either unavailable or do not agree on the potential impact of this missense change (SIFT: Not Available; PolyPhen-2: Benign; Align-GVGD: Not Available). In summary, the available evidence is currently insufficient to determine the role of this variant in disease. Therefore, it has been classified as a Variant of Uncertain Significance.